The following is an entry in ClinVar:

NC_000023.10:g.(?_100474774)_(100519492_?)dup

Gene: DRP2 (dystrophin related protein 2; plus strand). Cytogenetic location: Xq22.1.
Variant type: Duplication.
Identifiers: ClinVar variation 4687257 (VCV004687257.1).

ClinVar aggregate classification (germline): Uncertain significance (1 of 4 stars; one submission).

Submission:

Women's Health and Genetics/Laboratory Corporation of America, LabCorp
Classification: Uncertain significance. Last evaluated: 2025-10-16. Review status: criteria provided, single submitter. Criteria: LabCorp Variant Classification Summary - May 2015. Collection method: clinical testing. Allele origin: germline.
Comment: Variant summary: The variant involves the duplication of exons 1-24 in the DRP2 gene. This duplication includes the entire coding sequence of the gene. As exact breakpoints are unknown, it may extend beyond the annotated region of the gene, to include other flanking genes. A presumed nomenclature of c.(?_-528)_(*3882_?)dup has been designated for the purposes of this classification. The variant was absent in 15970 control chromosomes. The available data on variant occurrences in the general population are insufficient to allow any conclusion about variant significance. To our knowledge, no occurrence of c.(?_-528)_(*3882_?)dup in individuals affected with DRP2-related conditions and no experimental evidence demonstrating its impact on protein function have been reported. No submitters have cited clinical-significance assessments for this variant to ClinVar. Based on the evidence outlined above, the variant was classified as uncertain significance.